The following is an entry in ClinVar:

ClinVar aggregate classification (germline): Uncertain significance. Review status: criteria provided, multiple submitters, no conflicts (2 of 4 stars). 3 submissions from 3 submitters: Uncertain significance (3). Last evaluated 2026-07-02.

Conditions:
Hereditary cancer-predisposing syndrome. Also called: Hereditary neoplastic syndrome; Neoplastic Syndromes, Hereditary; Tumor predisposition; Hereditary Cancer Syndrome. Identifiers: Orphanet 140162, MedGen C0027672, MeSH D009386, MONDO:0015356.
Cardiovascular phenotype. Identifiers: MedGen CN230736.

gnomAD v4.1: 3 of 1,613,328 alleles (0.00019%); highest among the groups gnomAD compares: South Asian, 0.0011%; no homozygotes.

Submissions (3):

Ambry Genetics
Classification: Uncertain significance for Cardiovascular phenotype; Hereditary cancer-predisposing syndrome. Last evaluated: 2026-07-02. Review status: criteria provided, single submitter. Criteria: Ambry Variant Classification Scheme 2023. Collection method: clinical testing. Allele origin: germline.

Women's Health and Genetics/Laboratory Corporation of America, LabCorp
Classification: Uncertain significance. Last evaluated: 2025-06-03. Review status: criteria provided, single submitter. Criteria: LabCorp Variant Classification Summary - May 2015. Collection method: clinical testing. Allele origin: germline.
Comment: Variant summary: LZTR1 c.1843A>G (p.Lys615Glu) results in a conservative amino acid change in the encoded protein sequence. Algorithms developed to predict the effect of missense changes on protein structure and function are either unavailable or do not agree on the potential impact of this missense change. The frequency data for this variant in gnomAD is considered unreliable, as metrics indicate poor data quality at this position. To our knowledge, no occurrence of c.1843A>G in individuals affected with Noonan Syndrome 2 and no experimental evidence demonstrating its impact on protein function have been reported. ClinVar contains an entry for this variant (Variation ID: 3541553). Based on the evidence outlined above, the variant was classified as uncertain significance.

Labcorp Genetics (formerly Invitae), Labcorp
Classification: Uncertain significance. Last evaluated: 2025-02-06. Review status: criteria provided, single submitter. Criteria: Invitae Variant Classification Sherloc (09022015). Collection method: clinical testing. Allele origin: germline.
Comment: This sequence change replaces lysine, which is basic and polar, with glutamic acid, which is acidic and polar, at codon 615 of the LZTR1 protein (p.Lys615Glu). This variant is not present in population databases (gnomAD no frequency). This variant has not been reported in the literature in individuals affected with LZTR1-related conditions. ClinVar contains an entry for this variant (Variation ID: 3541553). Invitae Evidence Modeling of protein sequence and biophysical properties (such as structural, functional, and spatial information, amino acid conservation, physicochemical variation, residue mobility, and thermodynamic stability) indicates that this missense variant is not expected to disrupt LZTR1 protein function with a negative predictive value of 80%. In summary, the available evidence is currently insufficient to determine the role of this variant in disease. Therefore, it has been classified as a Variant of Uncertain Significance.

NM_006767.4(LZTR1):c.1843A>G (p.Lys615Glu)

Gene: LZTR1 (leucine zipper like post translational regulator 1; plus strand). Cytogenetic location: 22q11.21.
Variant type: single nucleotide variant.
Coding change: c.1843A>G on transcript NM_006767.4 (MANE Select); coding-DNA position 1843, A replaced by G.
Protein change: p.Lys615Glu; replaces lysine 615 with glutamic acid.
Molecular consequence: missense variant.
Genome position (GRCh38, 1-based): chr22:20,994,927, A>G. VCF-style: chr22-20994927-A-G. GRCh37 (hg19) VCF-style: chr22-21349216-A-G.
Other names: short protein forms K615E.
Identifiers: ClinVar variation 3541553 (VCV003541553.4).
Genomic context (GRCh38, chr22:20,994,927, plus strand): 5'-CAGGAGCACTGCCTGAACTTCGTGGTAAAGGAGTCCCACTTCAACCAGGTGATCATGATG[A>G]AGGAGTTCGAGCGCCTCTCCTCTCCACTGATAGTGGAGATTGTGCGGCGGAAGCAGCAGC-3'
Protein context (NP_006758.2, residues 605-625): ESHFNQVIMM[Lys615Glu]EFERLSSPLI